The following is an entry in ClinVar:

ClinVar aggregate classification (germline): Likely benign (1 of 4 stars; one submission).

Conditions:
ACACB-related disorder. Also called: ACACB-related condition.

gnomAD v4.1: 9 of 1,571,350 alleles (0.00057%); highest among the groups gnomAD compares: Non-Finnish European, 0.00069%; no homozygotes.

Submission:

PreventionGenetics, part of Exact Sciences
Classification: Likely benign for ACACB-related condition. Last evaluated: 2026-05-07. Review status: criteria provided, single submitter. Criteria: ACMG Guidelines, 2015. Collection method: clinical testing. Allele origin: germline.
Comment: This variant is classified as likely benign based on ACMG/AMP sequence variant interpretation guidelines (Richards et al. 2015 PMID: 25741868, with internal and published modifications).

NM_001093.4(ACACB):c.2713C>T (p.Leu905=)

Gene: ACACB (acetyl-CoA carboxylase beta; plus strand). Cytogenetic location: 12q24.11.
Variant type: single nucleotide variant.
Coding change: c.2713C>T on transcript NM_001093.4 (MANE Select); coding-DNA position 2713, C replaced by T.
Protein change: p.Leu905=; no amino-acid change (leucine 905 retained).
Molecular consequence: synonymous variant.
Genome position (GRCh38, 1-based): chr12:109,199,487, C>T. VCF-style: chr12-109199487-C-T. GRCh37 (hg19) VCF-style: chr12-109637292-C-T.
Other names: c.2713C>T, p.Leu905= (NM_001412734.1, NM_001412735.1); c.2107C>T, p.Leu703= (NM_001412736.1, NM_001412738.1, NM_001412739.1 and 2 more transcripts); c.2086C>T, p.Leu696= (NM_001412737.1).
Identifiers: ClinVar variation 4993940 (VCV004993940.1).